The following is an entry in ClinVar:

ClinVar aggregate classification (germline): Pathogenic (1 of 4 stars; one submission).

Conditions:
Duchenne muscular dystrophy (DMD). Also called: MUSCULAR DYSTROPHY, PSEUDOHYPERTROPHIC PROGRESSIVE, DUCHENNE TYPE; Duchenne Muscular Dystrophy (DMD). Identifiers: Orphanet 98896, MedGen C0013264, MONDO:0010679, OMIM 310200.

Submission:

Labcorp Genetics (formerly Invitae), Labcorp
Classification: Pathogenic for Duchenne muscular dystrophy. Last evaluated: 2018-12-31. Review status: criteria provided, single submitter. Criteria: Invitae Variant Classification Sherloc (09022015). Collection method: clinical testing. Allele origin: germline.
Comment: This variant is an in-frame deletion of the genomic region encompassing exons 3 to 29 of the DMD gene. It preserves the integrity of the reading frame. A similar deletion of exons 3 to 29 has been reported in an individual affected with Duchenne Muscular Dystrophy (PMID:Â¬â€ 17680544). Experimental studies and prediction algorithms are not available for this variant, and the functional significance of the affected amino acid(s) is currently unknown. In-frame exonic deletions in DMD are typically pathogenic (PMID:Â¬â€ 19937601,Â¬â€ 20485447).Â¬â€ Sub-genic deletions of exons 3-13 have been determined to be pathogenic (PMID: 18974567, 21969337) and disrupt the actin binding domain of the DMD protein (PMID: 7853367).Â¬â€ Therefore, deletions that fully encompass that region are also expected to be pathogenic. For these reasons, this variant has been classified as Pathogenic.

Literature cited by the submitters: PubMed 18974567; PubMed 21969337; PubMed 7853367.

NC_000023.11:g.(?_32438231)_(32849830_?)del

Genes: DMD (dystrophin; minus strand), MIR3915 (microRNA 3915; minus strand), MIR548F5 (microRNA 548f-5; minus strand). Cytogenetic location: Xp21.1.
Variant type: Deletion.
Identifiers: ClinVar variation 653507 (VCV000653507.1).